The following is an entry in ClinVar:

NM_017433.5(MYO3A):c.2710G>A (p.Ala904Thr)

Gene: MYO3A (myosin IIIA; plus strand). Cytogenetic location: 10p12.1.
Variant type: single nucleotide variant.
Coding change: c.2710G>A on transcript NM_017433.5 (MANE Select); coding-DNA position 2710, G replaced by A.
Protein change: p.Ala904Thr; replaces alanine 904 with threonine.
Molecular consequence: missense variant.
Genome position (GRCh38, 1-based): chr10:26,153,924, G>A. VCF-style: chr10-26153924-G-A. GRCh37 (hg19) VCF-style: chr10-26442853-G-A.
Other names: short protein forms A904T.
Identifiers: ClinVar variation 4086765 (VCV004086765.3).

ClinVar aggregate classification (germline): Conflicting classifications of pathogenicity. Review status: criteria provided, conflicting classifications (1 of 4 stars). 3 submissions from 3 submitters: Uncertain significance (2); Likely benign (1). Last evaluated 2025-12-08.

Conditions:
Inborn genetic diseases. Identifiers: MedGen C0950123, MeSH D030342.
MYO3A-related disorder. Also called: MYO3A-related condition.

gnomAD v4.1: 2 of 1,585,888 alleles (0.00013%); highest among the groups gnomAD compares: Admixed American, 0.0033%; no homozygotes.

Submissions (3):

PreventionGenetics, part of Exact Sciences
Classification: Uncertain significance for MYO3A-related condition. Last evaluated: 2025-12-08. Review status: criteria provided, single submitter. Criteria: ACMG Guidelines, 2015. Collection method: clinical testing. Allele origin: germline.
Comment: The MYO3A c.2710G>A variant is predicted to result in the amino acid substitution p.Ala904Thr. To our knowledge, this variant has not been reported in the literature. This variant is reported in 0.0029% of alleles in individuals of Latino descent in gnomAD. At this time, the clinical significance of this variant is uncertain due to the absence of conclusive functional and genetic evidence.

Ambry Genetics
Classification: Likely benign for Inborn genetic diseases. Last evaluated: 2025-09-04. Review status: criteria provided, single submitter. Criteria: Ambry Variant Classification Scheme 2023. Collection method: clinical testing. Allele origin: germline.

GeneDx
Classification: Uncertain significance. Last evaluated: 2025-03-21. Review status: criteria provided, single submitter. Criteria: GeneDx Variant Classification Process June 2021. Collection method: clinical testing. Allele origin: germline. Affected: yes.
Comment: Not observed at significant frequency in large population cohorts (gnomAD); In silico analysis indicates that this missense variant does not alter protein structure/function; Has not been previously published as pathogenic or benign to our knowledge